The following is an entry in ClinVar:

NM_004171.4(SLC1A2):c.1640T>C (p.Val547Ala)

Gene: SLC1A2 (solute carrier family 1 member 2; minus strand). Cytogenetic location: 11p13.
Variant type: single nucleotide variant.
Coding change: c.1640T>C on transcript NM_004171.4 (MANE Select); coding-DNA position 1640, T replaced by C.
Protein change: p.Val547Ala; replaces valine 547 with alanine.
Molecular consequence: missense variant.
Genome position (GRCh38, 1-based): chr11:35,265,540, A>G on the plus strand (T>C on the coding strand, the complement: SLC1A2 is on the minus strand). VCF-style: chr11-35265540-A-G. GRCh37 (hg19) VCF-style: chr11-35287087-A-G.
Other names: c.1613T>C, p.Val538Ala (NM_001195728.3, NM_001252652.2); short protein forms V538A, V547A.
Identifiers: ClinVar variation 2742439 (VCV002742439.3), dbSNP rs144357056, ClinGen allele CA5947036.

ClinVar aggregate classification (germline): Uncertain significance (1 of 4 stars; one submission).

Allele frequency attached by ClinVar (database versions not stated): gnomAD exomes below 0.00001; ExAC 0.00002; gnomAD 0.00002; TOPMed 0.00004; ESP Exome Variant Server 0.00008.
gnomAD v4.1: 4 of 1,567,844 alleles (0.00026%); highest among the groups gnomAD compares: African/African-American, 0.0054%; no homozygotes.

Submission:

Labcorp Genetics (formerly Invitae), Labcorp
Classification: Uncertain significance. Last evaluated: 2023-11-27. Review status: criteria provided, single submitter. Criteria: Invitae Variant Classification Sherloc (09022015). Collection method: clinical testing. Allele origin: germline.
Comment: This sequence change replaces valine, which is neutral and non-polar, with alanine, which is neutral and non-polar, at codon 547 of the SLC1A2 protein (p.Val547Ala). This variant is present in population databases (rs144357056, gnomAD 0.02%). This variant has not been reported in the literature in individuals affected with SLC1A2-related conditions. An algorithm developed to predict the effect of missense changes on protein structure and function (PolyPhen-2) suggests that this variant is likely to be tolerated. In summary, the available evidence is currently insufficient to determine the role of this variant in disease. Therefore, it has been classified as a Variant of Uncertain Significance.